The following is an entry in ClinVar:

ClinVar aggregate classification (germline): Uncertain significance. Review status: criteria provided, multiple submitters, no conflicts (2 of 4 stars). 3 submissions from 3 submitters: Uncertain significance (3). Last evaluated 2025-09-15.

Allele frequency attached by ClinVar (database versions not stated): ExAC 0.00006; gnomAD 0.00015 and 0.00014; TOPMed 0.00005; gnomAD exomes 0.00006 and 0.00014; ESP Exome Variant Server 0.00023.
gnomAD v4.1: 224 of 1,613,636 alleles (0.014%); highest among the groups gnomAD compares: Non-Finnish European, 0.016%; no homozygotes.

Submissions (3):

GeneDx
Classification: Uncertain significance. Last evaluated: 2025-09-15. Review status: criteria provided, single submitter. Criteria: GeneDx Variant Classification Process June 2021. Collection method: clinical testing. Allele origin: germline.
Comment: In silico analysis suggests that this missense variant does not alter protein structure/function; Previously reported as a de novo variant in an individual from a cohort of patients with autism spectrum disorders; additional de novo variants in other genes were also identified (PMID: 23849776); This variant is associated with the following publications: (PMID: 23849776, 35982159, 27525107)

Labcorp Genetics (formerly Invitae), Labcorp
Classification: Uncertain significance. Last evaluated: 2022-01-03. Review status: criteria provided, single submitter. Criteria: Invitae Variant Classification Sherloc (09022015). Collection method: clinical testing. Allele origin: germline.
Comment: This sequence change replaces arginine, which is basic and polar, with glutamine, which is neutral and polar, at codon 784 of the LAMC3 protein (p.Arg784Gln). This variant is present in population databases (rs371815223, gnomAD 0.02%). This variant has not been reported in the literature in individuals affected with LAMC3-related conditions. ClinVar contains an entry for this variant (Variation ID: 211363). Algorithms developed to predict the effect of missense changes on protein structure and function output the following: SIFT: "Tolerated"; PolyPhen-2: "Benign"; Align-GVGD: "Class C0". The glutamine amino acid residue is found in multiple mammalian species, which suggests that this missense change does not adversely affect protein function. In summary, the available evidence is currently insufficient to determine the role of this variant in disease. Therefore, it has been classified as a Variant of Uncertain Significance.

Genetic Services Laboratory, University of Chicago
Classification: Uncertain significance. Last evaluated: 2015-07-07. Review status: criteria provided, single submitter. Criteria: ACMG Guidelines, 2015. Collection method: clinical testing. Allele origin: germline.

NM_006059.4(LAMC3):c.2351G>A (p.Arg784Gln)

Gene: LAMC3 (laminin subunit gamma 3; plus strand). Cytogenetic location: 9q34.12.
Variant type: single nucleotide variant.
Coding change: c.2351G>A on transcript NM_006059.4 (MANE Select); coding-DNA position 2351, G replaced by A.
Protein change: p.Arg784Gln; replaces arginine 784 with glutamine.
Molecular consequence: missense variant.
Genome position (GRCh38, 1-based): chr9:131,066,963, G>A. VCF-style: chr9-131066963-G-A. GRCh37 (hg19) VCF-style: chr9-133942350-G-A.
Other names: short protein forms R784Q.
Identifiers: ClinVar variation 211363 (VCV000211363.12), dbSNP rs371815223, ClinGen allele CA208322.